The following is an entry in ClinVar:

ClinVar aggregate classification (germline): Uncertain significance. Review status: criteria provided, multiple submitters, no conflicts (2 of 4 stars). 2 submissions from 2 submitters: Uncertain significance (2). Last evaluated 2025-06-12.

gnomAD v4.1: 7 of 1,610,092 alleles (0.00043%); highest among the groups gnomAD compares: Admixed American, 0.0017%; no homozygotes.

Submissions (2):

Labcorp Genetics (formerly Invitae), Labcorp
Classification: Uncertain significance. Last evaluated: 2025-06-12. Review status: criteria provided, single submitter. Criteria: Invitae Variant Classification Sherloc (09022015). Collection method: clinical testing. Allele origin: germline.
Comment: This sequence change replaces valine, which is neutral and non-polar, with phenylalanine, which is neutral and non-polar, at codon 435 of the FSCN2 protein (p.Val435Phe). The frequency data for this variant in the population databases is considered unreliable, as metrics indicate poor data quality at this position in the gnomAD database. This variant has not been reported in the literature in individuals affected with FSCN2-related conditions. ClinVar contains an entry for this variant (Variation ID: 1399429). An algorithm developed to predict the effect of missense changes on protein structure and function (PolyPhen-2) suggests that this variant is likely to be disruptive. In summary, the available evidence is currently insufficient to determine the role of this variant in disease. Therefore, it has been classified as a Variant of Uncertain Significance.

Ambry Genetics
Classification: Uncertain significance. Last evaluated: 2024-04-12. Review status: criteria provided, single submitter. Criteria: Ambry Variant Classification Scheme 2023. Collection method: clinical testing. Allele origin: germline.

NM_012418.4(FSCN2):c.1231G>T (p.Val411Phe)

Gene: FSCN2 (fascin actin-bundling protein 2, retinal; plus strand). Cytogenetic location: 17q25.3.
Variant type: single nucleotide variant.
Coding change: c.1231G>T on transcript NM_012418.4 (MANE Select); coding-DNA position 1231, G replaced by T.
Protein change: p.Val411Phe; replaces valine 411 with phenylalanine.
Molecular consequence: missense variant.
Genome position (GRCh38, 1-based): chr17:81,536,747, G>T. VCF-style: chr17-81536747-G-T. GRCh37 (hg19) VCF-style: chr17-79503773-G-T.
Other names: c.1303G>T, p.Val435Phe (NM_001077182.3); c.1303G>T (NM_001077182.2); short protein forms V411F, V435F.
Identifiers: ClinVar variation 1399429 (VCV001399429.9), dbSNP rs772146268, ClinGen allele CA401478227.
Genomic context (GRCh38, chr17:81,536,747, plus strand): 5'-GGCTTCGTCTGCCACCACCGCGGCTCCAACCAGCTGGACACCAACCGCTCCGTCTACGAC[G>T]TCTTCCACCTGAGCTTCAGCGACGGCGCCTACCGGATCCGAGGTGCGTGGCGGGGCGGGT-3'
Protein context (NP_036550.1, residues 401-421): QLDTNRSVYD[Val411Phe]FHLSFSDGAY